The following is an entry in ClinVar:

NM_003737.4(DCHS1):c.395G>T (p.Arg132Leu)

Gene: DCHS1 (dachsous cadherin-related 1; minus strand). Cytogenetic location: 11p15.4.
Variant type: single nucleotide variant.
Coding change: c.395G>T on transcript NM_003737.4 (MANE Select); coding-DNA position 395, G replaced by T.
Protein change: p.Arg132Leu; replaces arginine 132 with leucine.
Molecular consequence: missense variant.
Genome position (GRCh38, 1-based): chr11:6,641,219, C>A on the plus strand (G>T on the coding strand, the complement: DCHS1 is on the minus strand). VCF-style: chr11-6641219-C-A. GRCh37 (hg19) VCF-style: chr11-6662450-C-A.
Other names: short protein forms R132L.
Identifiers: ClinVar variation 2900990 (VCV002900990.3), dbSNP rs771891400, ClinGen allele CA379442937.

ClinVar aggregate classification (germline): Uncertain significance (1 of 4 stars; one submission).

Allele frequency attached by ClinVar (database versions not stated): gnomAD 0.00001; TOPMed 0.00001.
gnomAD v4.1: 2 of 1,613,734 alleles (0.00012%); highest among the groups gnomAD compares: East Asian, 0.0045%; no homozygotes.

Submission:

Labcorp Genetics (formerly Invitae), Labcorp
Classification: Uncertain significance. Last evaluated: 2025-10-26. Review status: criteria provided, single submitter. Criteria: Invitae Variant Classification Sherloc (09022015). Collection method: clinical testing. Allele origin: germline.
Comment: This sequence change replaces arginine, which is basic and polar, with leucine, which is neutral and non-polar, at codon 132 of the DCHS1 protein (p.Arg132Leu). This variant is present in population databases (no rsID available, gnomAD 0.006%). This variant has not been reported in the literature in individuals affected with DCHS1-related conditions. ClinVar contains an entry for this variant (Variation ID: 2900990). Invitae Evidence Modeling of protein sequence and biophysical properties (such as structural, functional, and spatial information, amino acid conservation, physicochemical variation, residue mobility, and thermodynamic stability) indicates that this missense variant is not expected to disrupt DCHS1 protein function with a negative predictive value of 95%. In summary, the available evidence is currently insufficient to determine the role of this variant in disease. Therefore, it has been classified as a Variant of Uncertain Significance.